The following is an entry in ClinVar:

ClinVar aggregate classification (germline): Uncertain significance (1 of 4 stars; one submission).

Conditions:
Mitochondrial complex IV deficiency, nuclear type 1 (MC4DN1). Also called: COX DEFICIENCY; Mitochondrial complex IV deficiency; Deficiency of mitochondrial respiratory chain complex4; Complex IV deficiency; Complex 4 mitochondrial respiratory chain deficiency. Identifiers: MedGen C5435656, MONDO:0700250, OMIM 220110. Disease mechanism: loss of function.

gnomAD v4.1: 7 of 1,566,108 alleles (0.00045%); highest among the groups gnomAD compares: Middle Eastern, 0.021%; no homozygotes.

Submission:

Victorian Clinical Genetics Services, Murdoch Childrens Research Institute
Classification: Uncertain significance for Mitochondrial complex IV deficiency, nuclear type 1. Last evaluated: 2022-09-02. Review status: criteria provided, single submitter. Criteria: ACMG Guidelines, 2015. Collection method: clinical testing. Allele origin: germline. Inheritance: Autosomal recessive inheritance. Affected: yes.
Comment: Based on the classification scheme VCGS_Germline_v1.3.4, this variant is classified as VUS-3B. Following criteria are met: 0102 - Loss of function is a known mechanism of disease in this gene and is associated with mitochondrial complex IV deficiency, (MIM#220110). (I) 0106 - This gene is associated with autosomal recessive disease. (I) 0200 - Variant is predicted to result in a missense amino acid change from proline to serine. (I) 0252 - This variant is homozygous. (I) 0301 - Variant is absent from gnomAD (both v2 and v3). (SP) 0309 - Two alternative amino acid changes at the same position, p.(Pro74Arg) and p.(Pro74Ala), have been observed in gnomAD (v2) (2 heterozygotes and 0 homozygotes, 1 heterozygotes and 0 homozygotes respectively). (I) 0502 - Missense variant with conflicting in silico predictions and uninformative conservation. (I) 0604 - Variant is not located in an established domain, motif, hotspot or informative constraint region. (I) 0705 - No comparable missense variants have previous evidence for pathogenicity. (I) 0807 - This variant has no previous evidence of pathogenicity. (I) 0905 - No published segregation evidence has been identified for this variant. (I) 1007 - No published functional evidence has been identified for this variant. (I) Legend: (SP) - Supporting pathogenic, (I) - Information, (SB) - Supporting benign

NM_004589.4(SCO1):c.220C>T (p.Pro74Ser)

Gene: SCO1 (synthesis of cytochrome C oxidase 1; minus strand). Cytogenetic location: 17p13.1.
Variant type: single nucleotide variant.
Coding change: c.220C>T on transcript NM_004589.4 (MANE Select); coding-DNA position 220, C replaced by T.
Protein change: p.Pro74Ser; replaces proline 74 with serine.
Molecular consequence: missense variant.
Genome position (GRCh38, 1-based): chr17:10,697,288, G>A on the plus strand (C>T on the coding strand, the complement: SCO1 is on the minus strand). VCF-style: chr17-10697288-G-A. GRCh37 (hg19) VCF-style: chr17-10600605-G-A.
Other names: short protein forms P74S.
Identifiers: ClinVar variation 2500703 (VCV002500703.3), dbSNP rs1426952935, ClinGen allele CA398134783.